The following is an entry in ClinVar:

ClinVar aggregate classification (germline): Uncertain significance (1 of 4 stars; one submission).

Conditions:
Hereditary cancer-predisposing syndrome. Also called: Tumor predisposition; Neoplastic Syndromes, Hereditary; Hereditary Cancer Syndrome; Hereditary neoplastic syndrome. Identifiers: Orphanet 140162, MedGen C0027672, MeSH D009386, MONDO:0015356.

Submission:

Ambry Genetics
Classification: Uncertain significance for Hereditary cancer-predisposing syndrome. Last evaluated: 2024-10-12. Review status: criteria provided, single submitter. Criteria: Ambry Variant Classification Scheme 2023. Collection method: clinical testing. Allele origin: germline.
Comment: The p.P432R variant (also known as c.1295C>G), located in coding exon 12 of the FANCC gene, results from a C to G substitution at nucleotide position 1295. The proline at codon 432 is replaced by arginine, an amino acid with dissimilar properties. This amino acid position is conserved. In addition, this alteration is predicted to be deleterious by in silico analysis. Based on the available evidence, the clinical significance of this variant remains unclear.

NM_000136.3(FANCC):c.1295C>G (p.Pro432Arg)

Genes: FANCC (FA complementation group C; minus strand), AOPEP (aminopeptidase O (putative); plus strand). Cytogenetic location: 9q22.32.
Variant type: single nucleotide variant.
Coding change: c.1295C>G on transcript NM_000136.3 (MANE Select); coding-DNA position 1295, C replaced by G.
Protein change: p.Pro432Arg; replaces proline 432 with arginine.
Molecular consequence: missense variant.
Genome position (GRCh38, 1-based): chr9:95,111,497, G>C on the plus strand (C>G on the coding strand, the complement: FANCC is on the minus strand). VCF-style: chr9-95111497-G-C. GRCh37 (hg19) VCF-style: chr9-97873779-G-C.
Other names: c.1295C>G, p.Pro432Arg (NM_001243743.2, NM_001243744.2); short protein forms P432R.
Identifiers: ClinVar variation 3512795 (VCV003512795.1).